The following is an entry in ClinVar:

NM_001369268.1(ACAN):c.7646G>A (p.Arg2549His)

Gene: ACAN (aggrecan; plus strand). Cytogenetic location: 15q26.1.
Variant type: single nucleotide variant.
Coding change: c.7646G>A on transcript NM_001369268.1 (MANE Select); coding-DNA position 7646, G replaced by A.
Protein change: p.Arg2549His; replaces arginine 2549 with histidine.
Molecular consequence: missense variant.
Genome position (GRCh38, 1-based): chr15:88,874,420, G>A. VCF-style: chr15-88874420-G-A. GRCh37 (hg19) VCF-style: chr15-89417651-G-A.
Other names: c.7235G>A, p.Arg2412His (NM_001135.4); c.7418G>A, p.Arg2473His (NM_001411096.1); c.7532G>A, p.Arg2511His (NM_001411097.1, NM_013227.4); short protein forms R2473H, R2549H, R2412H, R2511H.
Identifiers: ClinVar variation 2392250 (VCV002392250.5), dbSNP rs746554508, ClinGen allele CA7720783.
Genomic context (GRCh38, chr15:88,874,420, plus strand): 5'-TCTTTCCAGGTCCACTGATATCTTTCCATCTCCCTTTCGTCCTAGCCACCACCTACAAAC[G>A]CAGACTACAGAAGCGGAGCTCACGGCACCCTCGGAGGAGCCGCCCCAGCACAGCCCACTG-3'
Protein context (NP_001356197.1, residues 2539-2559): ITCTDPTTYK[Arg2549His]RLQKRSSRHP

ClinVar aggregate classification (germline): Uncertain significance. Review status: criteria provided, multiple submitters, no conflicts (2 of 4 stars). 2 submissions from 2 submitters: Uncertain significance (2). Last evaluated 2025-12-03.

Conditions:
Inborn genetic diseases. Identifiers: MedGen C0950123, MeSH D030342.

Allele frequency attached by ClinVar (database versions not stated): gnomAD exomes 0.00001; gnomAD 0.00001; ExAC 0.00002; TOPMed below 0.00001.
gnomAD v4.1: 10 of 1,605,776 alleles (0.00062%); highest among the groups gnomAD compares: Admixed American, 0.0034%; no homozygotes.

Submissions (2):

Labcorp Genetics (formerly Invitae), Labcorp
Classification: Uncertain significance. Last evaluated: 2025-12-03. Review status: criteria provided, single submitter. Criteria: Invitae Variant Classification Sherloc (09022015). Collection method: clinical testing. Allele origin: germline.
Comment: This sequence change replaces arginine, which is basic and polar, with histidine, which is basic and polar, at codon 2511 of the ACAN protein (p.Arg2511His). The frequency data for this variant in the population databases is considered unreliable, as metrics indicate poor data quality at this position in the gnomAD database. This variant has not been reported in the literature in individuals affected with ACAN-related conditions. ClinVar contains an entry for this variant (Variation ID: 2392250). An algorithm developed to predict the effect of missense changes on protein structure and function outputs the following: PolyPhen-2: "Benign". The histidine amino acid residue is found in multiple mammalian species, which suggests that this missense change does not adversely affect protein function. In summary, the available evidence is currently insufficient to determine the role of this variant in disease. Therefore, it has been classified as a Variant of Uncertain Significance.

Ambry Genetics
Classification: Uncertain significance for Inborn genetic diseases. Last evaluated: 2022-11-03. Review status: criteria provided, single submitter. Criteria: Ambry Variant Classification Scheme 2023. Collection method: clinical testing. Allele origin: germline.